The following is an entry in ClinVar:

NM_001364905.1(LRBA):c.7604C>T (p.Ala2535Val)

Gene: LRBA (LPS responsive beige-like anchor protein; minus strand). Cytogenetic location: 4q31.3.
Variant type: single nucleotide variant.
Coding change: c.7604C>T on transcript NM_001364905.1 (MANE Select); coding-DNA position 7604, C replaced by T.
Protein change: p.Ala2535Val; replaces alanine 2535 with valine.
Molecular consequence: missense variant.
Genome position (GRCh38, 1-based): chr4:150,321,217, G>A on the plus strand (C>T on the coding strand, the complement: LRBA is on the minus strand). VCF-style: chr4-150321217-G-A. GRCh37 (hg19) VCF-style: chr4-151242369-G-A.
Other names: c.7604C>T, p.Ala2535Val (NM_001199282.3); c.7619C>T, p.Ala2540Val (NM_001367550.1); c.7637C>T, p.Ala2546Val (NM_006726.5); short protein forms A2546V, A2535V, A2540V.
Identifiers: ClinVar variation 1046966 (VCV001046966.8), dbSNP rs377257515, ClinGen allele CA3101600.

ClinVar aggregate classification (germline): Uncertain significance (1 of 4 stars; one submission).

Conditions:
Combined immunodeficiency due to LRBA deficiency. Also called: Common variable immunodeficiency 8, with autoimmunity. Identifiers: Orphanet 445018, MedGen C3553512, MONDO:0013863, OMIM 614700.

Allele frequency attached by ClinVar (database versions not stated): ExAC 0.00002; gnomAD exomes 0.00002 and 0.00003; TOPMed 0.00002; gnomAD 0.00003; ESP Exome Variant Server 0.00008.
gnomAD v4.1: 49 of 1,608,132 alleles (0.003%); highest among the groups gnomAD compares: African/African-American, 0.0067%; no homozygotes.

Submission:

Labcorp Genetics (formerly Invitae), Labcorp
Classification: Uncertain significance for Combined immunodeficiency due to LRBA deficiency. Last evaluated: 2023-09-22. Review status: criteria provided, single submitter. Criteria: Invitae Variant Classification Sherloc (09022015). Collection method: clinical testing. Allele origin: germline.
Comment: In summary, the available evidence is currently insufficient to determine the role of this variant in disease. Therefore, it has been classified as a Variant of Uncertain Significance. ClinVar contains an entry for this variant (Variation ID: 1046966). This variant has not been reported in the literature in individuals affected with LRBA-related conditions. The frequency data for this variant in the population databases is considered unreliable, as metrics indicate poor data quality at this position in the gnomAD database. This sequence change replaces alanine, which is neutral and non-polar, with valine, which is neutral and non-polar, at codon 2546 of the LRBA protein (p.Ala2546Val). Advanced modeling of protein sequence and biophysical properties (such as structural, functional, and spatial information, amino acid conservation, physicochemical variation, residue mobility, and thermodynamic stability) performed at Invitae indicates that this missense variant is not expected to disrupt LRBA protein function.